The following is an entry in ClinVar:

ClinVar aggregate classification (germline): Uncertain significance (1 of 4 stars; one submission).

Conditions:
Malignant hyperthermia, susceptibility to, 1 (MHS1). Also called: Anesthesia related hyperthermia; Malignant hyperpyrexia; Fulminating hyperpyrexia; Pharmacogenic myopathy; RYR1-Related Malignant Hyperthermia Susceptibility; Malignant hyperthermia suceptibility 1. Identifiers: Orphanet 423, MedGen C2930980, MONDO:0007783, OMIM 145600.

Allele frequency attached by ClinVar (database versions not stated): gnomAD exomes below 0.00001.
gnomAD v4.1: 1 of 1,614,092 alleles (0.000062%); highest among the groups gnomAD compares: Non-Finnish European, 0.000085%; no homozygotes.

Submission:

All of Us Research Program, National Institutes of Health
Classification: Uncertain significance for Malignant hyperthermia, susceptibility to, 1. Last evaluated: 2023-12-18. Review status: criteria provided, single submitter. Criteria: ACMG Guidelines, 2015. Collection method: clinical testing. Allele origin: germline. Inheritance: Autosomal dominant inheritance. Observed: 1 variant allele, 1 heterozygote.
Comment: This missense variant replaces aspartic acid with glutamic acid at codon 491 of the RYR1 protein. Computational prediction suggests that this variant may have deleterious impact on protein structure and function (internally defined REVEL score threshold >= 0.7, PMID: 27666373). To our knowledge, functional studies have not been reported for this variant. This variant has not been reported in individuals affected with RYR1-related disorders in the literature. This variant has not been identified in the general population by the Genome Aggregation Database (gnomAD). The available evidence is insufficient to determine the role of this variant in disease conclusively. Therefore, this variant is classified as a Variant of Uncertain Significance.

This study involves interpretation of variants in research participants for the purpose of population health screening. Participant phenotype was not available at the time of variant classification. Additional details can be found in publication PMID: 35346344, PMCID: PMC8962531

NM_000540.3(RYR1):c.1473C>A (p.Asp491Glu)

Genes: RYR1 (ryanodine receptor 1; plus strand), LOC129391106 (MPRA-validated peak3472 silencer; plus strand). Cytogenetic location: 19q13.2.
Variant type: single nucleotide variant.
Coding change: c.1473C>A on transcript NM_000540.3 (MANE Select); coding-DNA position 1473, C replaced by A.
Protein change: p.Asp491Glu; replaces aspartic acid 491 with glutamic acid.
Molecular consequence: missense variant.
Genome position (GRCh38, 1-based): chr19:38,455,267, C>A. VCF-style: chr19-38455267-C-A. GRCh37 (hg19) VCF-style: chr19-38945907-C-A.
Other names: c.1473C>A, p.Asp491Glu (NM_001042723.2); short protein forms D491E.
Identifiers: ClinVar variation 3075127 (VCV003075127.1), dbSNP rs2514025318, ClinGen allele CA405688627.